The following is an entry in ClinVar:

NM_000533.5(PLP1):c.697-1G>A

Genes: PLP1 (proteolipid protein 1; plus strand), RAB9B (RAB9B, member RAS oncogene family; minus strand). Cytogenetic location: Xq22.2.
Variant type: single nucleotide variant.
Coding change: c.697-1G>A on transcript NM_000533.5 (MANE Select); the canonical splice acceptor site of the intron before coding-DNA position 697, G replaced by A.
Molecular consequence: splice acceptor variant.
Genome position (GRCh38, 1-based): chrX:103,789,332, G>A. VCF-style: chrX-103789332-G-A. GRCh37 (hg19) VCF-style: chrX-103044261-G-A.
Other names: c.697-1G>A (NM_001128834.3); c.592-1G>A (NM_199478.3); c.532-1G>A (NM_001305004.1).
Identifiers: ClinVar variation 2138679 (VCV002138679.4), dbSNP rs2522322595, ClinGen allele CA414104495.
Genomic context (GRCh38, chrX:103,789,332, plus strand): 5'-TACAGTGGAGCATATTACTGCTGTTGCAAGAAACAGTTCTTCCTCTTTCATTTTCCTGCA[G>A]TTCCAAATGACCTTCCACCTGTTTATTGCTGCATTTGTGGGGGCTGCAGCTACACTGGTT-3'

ClinVar aggregate classification (germline): Pathogenic (1 of 4 stars; one submission).

Conditions:
Hereditary spastic paraplegia 2 (SPG2). Also called: SPASTIC PARAPLEGIA 2, X-LINKED; Spastic Paraplegia 2 (SPG2). Identifiers: Orphanet 99015, MedGen C0751604, MONDO:0010733, OMIM 312920.

Submission:

Labcorp Genetics (formerly Invitae), Labcorp
Classification: Pathogenic for Hereditary spastic paraplegia 2. Last evaluated: 2025-08-01. Review status: criteria provided, single submitter. Criteria: Invitae Variant Classification Sherloc (09022015). Collection method: clinical testing. Allele origin: germline.
Comment: This sequence change affects an acceptor splice site in intron 5 of the PLP1 gene. It is expected to disrupt RNA splicing. Variants that disrupt the donor or acceptor splice site typically lead to a loss of protein function (PMID: 16199547), and loss-of-function variants in PLP1 are known to be pathogenic (PMID: 18470932). This variant is not present in population databases (gnomAD no frequency). Disruption of this splice site has been observed in individual(s) with Pelizaeus-Merzbacher disease (PMID: 10417279, 29451896). In at least one individual the variant was observed to be de novo. This variant is also known as intron 5 asp G-A. ClinVar contains an entry for this variant (Variation ID: 2138679). Algorithms developed to predict the effect of sequence changes on RNA splicing suggest that this variant may disrupt the consensus splice site. For these reasons, this variant has been classified as Pathogenic.

Literature cited by the submitters: PubMed 16199547; PubMed 18470932; PubMed 10417279; PubMed 29451896.